The following is an entry in ClinVar:

NM_020937.4(FANCM):c.1494G>C (p.Gln498His)

Gene: FANCM (FA complementation group M; plus strand). Cytogenetic location: 14q21.2.
Variant type: single nucleotide variant.
Coding change: c.1494G>C on transcript NM_020937.4 (MANE Select); coding-DNA position 1494, G replaced by C.
Protein change: p.Gln498His; replaces glutamine 498 with histidine.
Molecular consequence: missense variant.
Genome position (GRCh38, 1-based): chr14:45,159,193, G>C. VCF-style: chr14-45159193-G-C. GRCh37 (hg19) VCF-style: chr14-45628396-G-C.
Other names: c.1416G>C, p.Gln472His (NM_001308133.2); c.1494G>C, p.Gln498His (NM_001308134.2); short protein forms Q472H, Q498H.
Identifiers: ClinVar variation 3512888 (VCV003512888.1).

ClinVar aggregate classification (germline): Uncertain significance (1 of 4 stars; one submission).

Conditions:
Inborn genetic diseases. Identifiers: MedGen C0950123, MeSH D030342.

gnomAD v4.1: 2 of 1,613,488 alleles (0.00012%); highest among the groups gnomAD compares: South Asian, 0.0022%; no homozygotes.

Submission:

Ambry Genetics
Classification: Uncertain significance for Inborn genetic diseases. Last evaluated: 2024-10-15. Review status: criteria provided, single submitter. Criteria: Ambry Variant Classification Scheme 2023. Collection method: clinical testing. Allele origin: germline.
Comment: The p.Q498H variant (also known as c.1494G>C), located in coding exon 9 of the FANCM gene, results from a G to C substitution at nucleotide position 1494. The glutamine at codon 498 is replaced by histidine, an amino acid with highly similar properties. This amino acid position is conserved. In addition, this alteration is predicted to be tolerated by in silico analysis. Based on the available evidence, the clinical significance of this variant remains unclear.